The following is an entry in ClinVar:

NM_000051.4(ATM):c.1236-3_1236-2insC

Gene: ATM (ATM serine/threonine kinase; plus strand). Cytogenetic location: 11q22.3.
Variant type: Insertion.
Coding change: c.1236-3_1236-2insC on transcript NM_000051.4 (MANE Select); 3 bases into the intron before coding-DNA position 1236 through the canonical splice acceptor site of the intron before coding-DNA position 1236, C inserted.
Molecular consequence: splice acceptor variant.
Genome position: GRCh38 VCF-style: chr11-108250698-T-TC. GRCh37 (hg19) VCF-style: chr11-108121425-T-TC.
Other names: c.1236-3_1236-2insC (NM_001351834.2).
Identifiers: ClinVar variation 627911 (VCV000627911.13), dbSNP rs730881281, ClinGen allele CA6264791.

ClinVar aggregate classification (germline): Conflicting classifications of pathogenicity. Review status: criteria provided, conflicting classifications (1 of 4 stars). 4 submissions from 4 submitters: Uncertain significance (1); Likely benign (3). Last evaluated 2026-01-09.

Conditions:
Ataxia-telangiectasia syndrome (AT). Also called: ATAXIA-TELANGIECTASIA, COMPLEMENTATION GROUP A; ATAXIA-TELANGIECTASIA, FRESNO VARIANT; LOUIS-BAR SYNDROME; Ataxia telangiectasia (A-T); Cerebello-oculocutaneous telangiectasia; Immunodeficiency with ataxia telangiectasia. Identifiers: Orphanet 100, MedGen C0004135, MONDO:0008840, OMIM 208900.
Hereditary cancer-predisposing syndrome. Also called: Tumor predisposition; Neoplastic Syndromes, Hereditary; Hereditary Cancer Syndrome; Hereditary neoplastic syndrome. Identifiers: Orphanet 140162, MedGen C0027672, MeSH D009386, MONDO:0015356.
Familial cancer of breast. Also called: BREAST CANCER, FAMILIAL; Hereditary breast cancer; hereditary breast carcinoma. Identifiers: Orphanet 227535, MedGen C0346153, MONDO:0016419, OMIM 114480. Disease mechanism: loss of function.

Allele frequency attached by ClinVar (database versions not stated): gnomAD exomes below 0.00001; ExAC 0.00001.

Submissions (4):

Labcorp Genetics (formerly Invitae), Labcorp
Classification: Likely benign for Ataxia-telangiectasia syndrome. Last evaluated: 2026-01-09. Review status: criteria provided, single submitter. Criteria: Invitae Variant Classification Sherloc (09022015). Collection method: clinical testing. Allele origin: germline.

Ambry Genetics
Classification: Uncertain significance for Hereditary cancer-predisposing syndrome. Last evaluated: 2025-06-17. Review status: criteria provided, single submitter. Criteria: Ambry Variant Classification Scheme 2023. Collection method: clinical testing. Allele origin: germline.
Comment: The c.1236-3_1236-2insC intronic variant is located 2 nucleotides before coding exon 9 of the ATM gene. This variant results from an insertion of one nucleotide between positions c.1236-3 and c.1236-2. This nucleotide region is well conserved in available vertebrate species. In silico splice site analysis predicts that this alteration will not have any significant effect on splicing. Based on the available evidence, the clinical significance of this variant remains unclear.

Myriad Genetics, Inc.
Classification: Likely benign for Familial cancer of breast. Last evaluated: 2024-04-26. Review status: criteria provided, single submitter. Criteria: Myriad Autosomal Dominant, Autosomal Recessive and X-Linked Classification Criteria (2023). Collection method: clinical testing. Allele origin: unknown.
Comment: This variant is considered likely benign. This variant is intronic and is not expected to impact mRNA splicing.

Color Diagnostics, LLC DBA Color Health
Classification: Likely benign for Hereditary cancer-predisposing syndrome. Last evaluated: 2015-09-29. Review status: criteria provided, single submitter. Criteria: ACMG Guidelines, 2015. Collection method: clinical testing. Allele origin: germline.